The following is an entry in ClinVar:

ClinVar aggregate classification (germline): Uncertain significance (1 of 4 stars; one submission).

Conditions:
Charcot-Marie-Tooth disease axonal type 2S. Also called: CHARCOT-MARIE-TOOTH NEUROPATHY, TYPE 2S; CHARCOT-MARIE-TOOTH DISEASE, AXONAL, AUTOSOMAL RECESSIVE, TYPE 2S. Identifiers: Orphanet 443073, MedGen C4015349, MONDO:0014511, OMIM 616155.
Autosomal recessive distal spinal muscular atrophy 1. Also called: SEVERE INFANTILE AXONAL NEUROPATHY WITH RESPIRATORY FAILURE; SPINAL MUSCULAR ATROPHY, DIAPHRAGMATIC; Spinal muscular atrophy with respiratory distress 1; HMN VI; NEURONOPATHY, DISTAL HEREDITARY MOTOR, HARDING TYPE VI; NEUROPATHY, DISTAL HEREDITARY MOTOR, AUTOSOMAL RECESSIVE 1. Identifiers: Orphanet 98920, MedGen C1858517, MONDO:0011436, OMIM 604320.

Allele frequency attached by ClinVar (database versions not stated): TOPMed 0.00002; gnomAD 0.00003 and 0.00004.
gnomAD v4.1: 12 of 1,613,878 alleles (0.00074%); highest among the groups gnomAD compares: African/African-American, 0.0027%; no homozygotes.

Submission:

Labcorp Genetics (formerly Invitae), Labcorp
Classification: Uncertain significance for Autosomal recessive distal spinal muscular atrophy 1; Charcot-Marie-Tooth disease axonal type 2S. Last evaluated: 2022-02-04. Review status: criteria provided, single submitter. Criteria: Invitae Variant Classification Sherloc (09022015). Collection method: clinical testing. Allele origin: germline.
Comment: This sequence change replaces serine, which is neutral and polar, with phenylalanine, which is neutral and non-polar, at codon 30 of the IGHMBP2 protein (p.Ser30Phe). This variant is present in population databases (rs772945179, gnomAD 0.01%). This variant has not been reported in the literature in individuals affected with IGHMBP2-related conditions. ClinVar contains an entry for this variant (Variation ID: 844829). Algorithms developed to predict the effect of missense changes on protein structure and function (SIFT, PolyPhen-2, Align-GVGD) all suggest that this variant is likely to be tolerated. In summary, the available evidence is currently insufficient to determine the role of this variant in disease. Therefore, it has been classified as a Variant of Uncertain Significance.

NM_002180.3(IGHMBP2):c.89C>T (p.Ser30Phe)

Gene: IGHMBP2 (immunoglobulin mu DNA binding protein 2; plus strand). Cytogenetic location: 11q13.3.
Variant type: single nucleotide variant.
Coding change: c.89C>T on transcript NM_002180.3 (MANE Select); coding-DNA position 89, C replaced by T.
Protein change: p.Ser30Phe; replaces serine 30 with phenylalanine.
Molecular consequence: missense variant.
Genome position (GRCh38, 1-based): chr11:68,906,071, C>T. VCF-style: chr11-68906071-C-T. GRCh37 (hg19) VCF-style: chr11-68673539-C-T.
Other names: short protein forms S30F.
Identifiers: ClinVar variation 844829 (VCV000844829.7), dbSNP rs772945179, ClinGen allele CA6153188.
Genomic context (GRCh38, chr11:68,906,071, plus strand): 5'-GTGGGTGGAAGTAGAAACTAGTAAAAATCCTGAAGCATCAATACCGGGTGTCTTCCAGGT[C>T]CTGGCAGGAGAACATCTCTCTGAAAGAGCTCCAGAGCCGAGGCGTGTGTTTGCTGAAGCT-3'
Protein context (NP_002171.2, residues 20-40): ERDAEVEERR[Ser30Phe]WQENISLKEL